The following is an entry in ClinVar:

NM_001277115.2(DNAH11):c.3910del (p.Arg1304fs)

Gene: DNAH11 (dynein axonemal heavy chain 11; plus strand). Cytogenetic location: 7p15.3.
Variant type: Deletion.
Coding change: c.3910del on transcript NM_001277115.2 (MANE Select); coding-DNA position 3910, one base deleted (C; older notation c.3910delC).
Protein change: p.Arg1304fs; shifts the reading frame from arginine 1304.
Molecular consequence: frameshift variant.
Genome position (GRCh38, 1-based): chr7:21,615,171, C deleted. VCF-style (leftmost placement, unchanged base first): chr7-21615170-TC-T. GRCh37 (hg19) VCF-style: chr7-21654788-TC-T.
Other names: c.3910delC, p.Arg1304Valfs (NM_003777.3); short protein forms R1304fs.
Identifiers: ClinVar variation 1805022 (VCV001805022.8), dbSNP rs2128452309, ClinGen allele CA1139771227.
Genomic context (GRCh38, chr7:21,615,170, plus strand): 5'-TTAGGCAAATGAAGAGCTTGAGGCCTTAGAAGAAGAAATGTTGCAGATGCAAGAATCTAC[TC>T]GTCTTTTTGAAGTGGCTCTTCCAGAGTACAAACAAATGAAACAGTGTCGCAAAGAAATAA-3'

ClinVar aggregate classification (germline): Pathogenic. Review status: criteria provided, multiple submitters, no conflicts (2 of 4 stars). 3 submissions from 3 submitters: Pathogenic (3). Last evaluated 2023-12-11.

Conditions:
Primary ciliary dyskinesia. Also called: Ciliary dyskinesia. Identifiers: Orphanet 244, MedGen C0008780, MONDO:0016575, HP:0012265.
Primary ciliary dyskinesia 7. Also called: CILIARY DYSKINESIA, PRIMARY, 7, WITH OR WITHOUT SITUS INVERSUS. Identifiers: Orphanet 244, MedGen C2678473, MONDO:0012748, OMIM 611884.

Allele frequency attached by ClinVar (database versions not stated): gnomAD exomes 0.00001.

Submissions (3):

Institute Of Molecular Biology And Genetics, Federal Almazov National Medical Research Centre
Classification: Pathogenic for Primary ciliary dyskinesia. Last evaluated: 2023-12-11. Review status: criteria provided, single submitter. Criteria: ACMG Guidelines, 2015. Collection method: clinical testing. Allele origin: maternal. Affected: yes. Observed: 1 variant allele.
Comment: The c.3910del variant is a 1-bp deletion that is predicted to produce a premature termination codon (p.Arg1304Valfs*13) in the DNAH11 gene. The variant is absent in gnomAD database and has two submissions in ClinVar with a pathogenic interpretation (variation ID: 1805022). For these reasons, this variant has been classified as Pathogenic.

Labcorp Genetics (formerly Invitae), Labcorp
Classification: Pathogenic for Primary ciliary dyskinesia. Last evaluated: 2023-06-02. Review status: criteria provided, single submitter. Criteria: Invitae Variant Classification Sherloc (09022015). Collection method: clinical testing. Allele origin: germline.
Comment: This variant has not been reported in the literature in individuals affected with DNAH11-related conditions. ClinVar contains an entry for this variant (Variation ID: 1805022). For these reasons, this variant has been classified as Pathogenic. This variant is not present in population databases (gnomAD no frequency). This sequence change creates a premature translational stop signal (p.Arg1304Valfs*13) in the DNAH11 gene. It is expected to result in an absent or disrupted protein product. Loss-of-function variants in DNAH11 are known to be pathogenic (PMID: 18022865, 20513915, 22184204).

Victorian Clinical Genetics Services, Murdoch Childrens Research Institute
Classification: Pathogenic for Primary ciliary dyskinesia 7. Last evaluated: 2021-05-06. Review status: criteria provided, single submitter. Criteria: ACMG Guidelines, 2015. Collection method: clinical testing. Allele origin: germline. Inheritance: Autosomal recessive inheritance. Affected: yes.
Comment: Based on the classification scheme VCGS_Germline_v1.3.4, this variant is classified as Pathogenic. Following criteria are met: 0102 - Loss of function is a known mechanism of disease in this gene and is associated with primary ciliary dyskinesia with or without situs inversus (MIM#611884). (I) 0106 - This gene is associated with autosomal recessive disease. (I) 0201 - Variant is predicted to cause nonsense-mediated decay (NMD) and loss of protein (premature termination codon is located at least 54 nucleotides upstream of the final exon-exon junction). (SP) 0251 - This variant is heterozygous. (I) 0301 - Variant is absent from gnomAD (both v2 and v3). (SP) 0701 - Other NMD-predicted variants comparable to the one identified in this case have very strong previous evidence for pathogenicity. Variants predicted to undergo NMD are commonly reported in affected individuals (ClinVar, PMID: 31879361). (SP) 0807 - This variant has no previous evidence of pathogenicity. (I) 0905 - No published segregation evidence has been identified for this variant. (I) 1007 - No published functional evidence has been identified for this variant. (I) Legend: (SP) - Supporting pathogenic, (I) - Information, (SB) - Supporting benign

Literature cited by the submitters: PubMed 18022865 (cited by Labcorp Genetics (formerly Invitae), Labcorp); PubMed 20513915 (cited by Labcorp Genetics (formerly Invitae), Labcorp); PubMed 22184204 (cited by Labcorp Genetics (formerly Invitae), Labcorp); PubMed 31879361 (cited by Victorian Clinical Genetics Services, Murdoch Childrens Research Institute).